The following is an entry in ClinVar:

NM_015046.7(SETX):c.3208C>G (p.Leu1070Val)

Gene: SETX (senataxin; minus strand). Cytogenetic location: 9q34.13.
Variant type: single nucleotide variant.
Coding change: c.3208C>G on transcript NM_015046.7 (MANE Select); coding-DNA position 3208, C replaced by G.
Protein change: p.Leu1070Val; replaces leucine 1070 with valine.
Molecular consequence: missense variant.
Genome position (GRCh38, 1-based): chr9:132,328,390, G>C on the plus strand (C>G on the coding strand, the complement: SETX is on the minus strand). VCF-style: chr9-132328390-G-C. GRCh37 (hg19) VCF-style: chr9-135203777-G-C.
Other names: c.3208C>G, p.Leu1070Val (NM_001351527.2, NM_001351528.2); c.3208C>G (NM_015046.5); short protein forms L1070V.
Identifiers: ClinVar variation 1524738 (VCV001524738.8), dbSNP rs931570379, ClinGen allele CA200811530.

ClinVar aggregate classification (germline): Uncertain significance. Review status: criteria provided, multiple submitters, no conflicts (2 of 4 stars). 3 submissions from 3 submitters: Uncertain significance (3). Last evaluated 2024-10-22.

Conditions:
SETX-related disorder. Also called: SETX-related disorders; SETX-related condition. Identifiers: MedGen CN239403.
Spinocerebellar ataxia, autosomal recessive, with axonal neuropathy 2 (SCAN2). Also called: ATAXIA-OCULOMOTOR APRAXIA 2; Ataxia with Oculomotor Apraxia; Ataxia with Oculomotor Apraxia Type 2; Ataxia-ocular apraxia-2. Identifiers: Orphanet 64753, MedGen C1853761, MONDO:0018996, OMIM 606002.
Amyotrophic lateral sclerosis type 4 (ALS4). Also called: AMYOTROPHIC LATERAL SCLEROSIS 4, JUVENILE; NEURONOPATHY, DISTAL HEREDITARY MOTOR, WITH PYRAMIDAL FEATURES. Identifiers: Orphanet 357043, MedGen C1865409, MONDO:0011223, OMIM 602433.

Allele frequency attached by ClinVar (database versions not stated): gnomAD exomes 0.00001.
gnomAD v4.1: 9 of 1,613,974 alleles (0.00056%); highest among the groups gnomAD compares: Non-Finnish European, 0.00076%; no homozygotes.

Submissions (3):

Labcorp Genetics (formerly Invitae), Labcorp
Classification: Uncertain significance for Amyotrophic lateral sclerosis type 4; Spinocerebellar ataxia, autosomal recessive, with axonal neuropathy 2. Last evaluated: 2024-10-22. Review status: criteria provided, single submitter. Criteria: Invitae Variant Classification Sherloc (09022015). Collection method: clinical testing. Allele origin: germline.
Comment: This sequence change replaces leucine, which is neutral and non-polar, with valine, which is neutral and non-polar, at codon 1070 of the SETX protein (p.Leu1070Val). This variant is not present in population databases (gnomAD no frequency). This variant has not been reported in the literature in individuals affected with SETX-related conditions. ClinVar contains an entry for this variant (Variation ID: 1524738). Invitae Evidence Modeling of protein sequence and biophysical properties (such as structural, functional, and spatial information, amino acid conservation, physicochemical variation, residue mobility, and thermodynamic stability) indicates that this missense variant is not expected to disrupt SETX protein function with a negative predictive value of 95%. In summary, the available evidence is currently insufficient to determine the role of this variant in disease. Therefore, it has been classified as a Variant of Uncertain Significance.

Women's Health and Genetics/Laboratory Corporation of America, LabCorp
Classification: Uncertain significance. Last evaluated: 2024-06-24. Review status: criteria provided, single submitter. Criteria: LabCorp Variant Classification Summary - May 2015. Collection method: clinical testing. Allele origin: germline.
Comment: Variant summary: SETX c.3208C>G (p.Leu1070Val) results in a conservative amino acid change in the encoded protein sequence. Five of five in-silico tools predict a benign effect of the variant on protein function. The variant was absent in 251094 control chromosomes. The available data on variant occurrences in the general population are insufficient to allow any conclusion about variant significance. To our knowledge, no occurrence of c.3208C>G in individuals affected with Amyotrophic Lateral Sclerosis Type 4 and no experimental evidence demonstrating its impact on protein function have been reported. ClinVar contains an entry for this variant (Variation ID: 1524738). Based on the evidence outlined above, the variant was classified as uncertain significance.

PreventionGenetics, part of Exact Sciences
Classification: Uncertain significance for SETX-related condition. Last evaluated: 2023-08-06. Review status: criteria provided, single submitter. Criteria: ACMG Guidelines, 2015. Collection method: clinical testing. Allele origin: germline.
Comment: The SETX c.3208C>G variant is predicted to result in the amino acid substitution p.Leu1070Val. To our knowledge, this variant has not been reported in the literature or in a large population database, indicating this variant is rare. At this time, the clinical significance of this variant is uncertain due to the absence of conclusive functional and genetic evidence.